The following is an entry in ClinVar:

NM_000138.5(FBN1):c.8261C>T (p.Ala2754Val)

Gene: FBN1 (fibrillin 1; minus strand). Cytogenetic location: 15q21.1.
Variant type: single nucleotide variant.
Coding change: c.8261C>T on transcript NM_000138.5 (MANE Select); coding-DNA position 8261, C replaced by T.
Protein change: p.Ala2754Val; replaces alanine 2754 with valine.
Molecular consequence: missense variant.
Genome position (GRCh38, 1-based): chr15:48,411,345, G>A on the plus strand (C>T on the coding strand, the complement: FBN1 is on the minus strand). VCF-style: chr15-48411345-G-A. GRCh37 (hg19) VCF-style: chr15-48703542-G-A.
Other names: short protein forms A2754V.
Identifiers: ClinVar variation 1001645 (VCV001001645.8), dbSNP rs1372306620, ClinGen allele CA392320062.

ClinVar aggregate classification (germline): Uncertain significance. Review status: criteria provided, multiple submitters, no conflicts (2 of 4 stars). 2 submissions from 2 submitters: Uncertain significance (2). Last evaluated 2025-07-14.

Conditions:
Marfan syndrome (MFS). Also called: FBN1-Related Marfan Syndrome; MARFAN SYNDROME, TYPE I; Marfan syndrome type 1; Marfan's syndrome; Marfan syndrome, classic. Identifiers: Orphanet 284963, Orphanet 558, MedGen C0024796, MONDO:0007947, OMIM 154700.
Familial thoracic aortic aneurysm and aortic dissection (TAAD). Also called: Thoracic aortic aneurysms and dissections. Identifiers: Orphanet 91387, MedGen C4707243, MONDO:0019625.

Allele frequency attached by ClinVar (database versions not stated): gnomAD 0.00001; gnomAD exomes below 0.00001; TOPMed below 0.00001.
gnomAD v4.1: 3 of 1,613,934 alleles (0.00019%); highest among the groups gnomAD compares: East Asian, 0.0067%; no homozygotes.

Submissions (2):

Color Diagnostics, LLC DBA Color Health
Classification: Uncertain significance for Familial thoracic aortic aneurysm and aortic dissection. Last evaluated: 2025-07-14. Review status: criteria provided, single submitter. Criteria: ACMG Guidelines, 2015. Collection method: clinical testing. Allele origin: germline.
Comment: This missense variant replaces alanine with valine at codon 2754 of the FBN1 protein. Computational prediction is inconclusive regarding the impact of this variant on protein structure and function. To our knowledge, functional studies have not been reported for this variant. This variant has not been reported in individuals affected with FBN1-related disorders in the literature. This variant has been identified in 2/282626 chromosomes in the general population by the Genome Aggregation Database (gnomAD). The available evidence is insufficient to determine the role of this variant in disease conclusively. Therefore, this variant is classified as a Variant of Uncertain Significance.

Labcorp Genetics (formerly Invitae), Labcorp
Classification: Uncertain significance for Marfan syndrome; Familial thoracic aortic aneurysm and aortic dissection. Last evaluated: 2018-04-23. Review status: criteria provided, single submitter. Criteria: Invitae Variant Classification Sherloc (09022015). Collection method: clinical testing. Allele origin: germline.
Comment: This variant is not present in population databases (ExAC no frequency). This sequence change replaces alanine with valine at codon 2754 of the FBN1 protein (p.Ala2754Val). The alanine residue is moderately conserved and there is a small physicochemical difference between alanine and valine. This variant has not been reported in the literature in individuals with FBN1-related disease. In summary, the available evidence is currently insufficient to determine the role of this variant in disease. Therefore, it has been classified as a Variant of Uncertain Significance. Algorithms developed to predict the effect of sequence changes on RNA splicing suggest that this variant may create or strengthen a splice site, but this prediction has not been confirmed by published transcriptional studies. Algorithms developed to predict the effect of missense changes on protein structure and function do not agree on the potential impact of this missense change (SIFT: "Deleterious"; PolyPhen-2: "Benign"; Align-GVGD: "Class C0").